The following is an entry in ClinVar:

ClinVar aggregate classification (germline): Uncertain significance (1 of 4 stars; one submission).

Allele frequency attached by ClinVar (database versions not stated): gnomAD exomes below 0.00001; TOPMed below 0.00001.
gnomAD v4.1: 1 of 1,614,000 alleles (0.000062%); highest among the groups gnomAD compares: Non-Finnish European, 0.000085%; no homozygotes.

Submission:

GeneDx
Classification: Uncertain significance. Last evaluated: 2022-09-07. Review status: criteria provided, single submitter. Criteria: GeneDx Variant Classification Process June 2021. Collection method: clinical testing. Allele origin: germline. Affected: yes.
Comment: Not observed at significant frequency in large population cohorts (gnomAD); In silico analysis supports that this missense variant has a deleterious effect on protein structure/function; Has not been previously published as pathogenic or benign to our knowledge

NM_018896.5(CACNA1G):c.4616A>G (p.Asn1539Ser)

Gene: CACNA1G (calcium voltage-gated channel subunit alpha1 G; plus strand). Cytogenetic location: 17q21.33.
Variant type: single nucleotide variant.
Coding change: c.4616A>G on transcript NM_018896.5 (MANE Select); coding-DNA position 4616, A replaced by G.
Protein change: p.Asn1539Ser; replaces asparagine 1539 with serine.
Molecular consequence: missense variant. On other transcripts: non-coding transcript variant (5).
Genome position (GRCh38, 1-based): chr17:50,607,930, A>G. VCF-style: chr17-50607930-A-G. GRCh37 (hg19) VCF-style: chr17-48685291-A-G.
Other names: c.4616A>G, p.Asn1539Ser (NM_001256324.2, NM_001256325.2, NM_001256327.2 and 9 more transcripts); c.4514A>G, p.Asn1505Ser (NM_001256326.2, NM_001256329.2, NM_001256330.2 and 1 more transcripts); c.4445A>G, p.Asn1482Ser (NM_001256332.2); c.4535A>G, p.Asn1512Ser (NM_001256359.2, NM_001256361.2); c.4541A>G, p.Asn1514Ser (NM_001256360.2); c.4547A>G, p.Asn1516Ser (NM_198376.3, NM_198379.3, NM_198382.3 and 4 more transcripts); short protein forms N1482S, N1505S, N1512S, N1514S, N1516S, N1539S.
Identifiers: ClinVar variation 2443628 (VCV002443628.1), dbSNP rs2048287136, ClinGen allele CA400258989.